The following is an entry in ClinVar:

ClinVar aggregate classification (germline): Uncertain significance (1 of 4 stars; one submission).

Submission:

Labcorp Genetics (formerly Invitae), Labcorp
Classification: Uncertain significance. Last evaluated: 2022-08-08. Review status: criteria provided, single submitter. Criteria: Invitae Variant Classification Sherloc (09022015). Collection method: clinical testing. Allele origin: germline.
Comment: This variant is not present in population databases (gnomAD no frequency). In summary, the available evidence is currently insufficient to determine the role of this variant in disease. Therefore, it has been classified as a Variant of Uncertain Significance. Experimental studies have shown that this missense change affects LRP5 function (PMID: 17276019, 17295608, 18521528). Algorithms developed to predict the effect of missense changes on protein structure and function are either unavailable or do not agree on the potential impact of this missense change (SIFT: "Deleterious"; PolyPhen-2: "Benign"; Align-GVGD: "Class C0"). This missense change has been observed in individual(s) with high bone mass syndromes (PMID: 17295608). This sequence change replaces methionine, which is neutral and non-polar, with valine, which is neutral and non-polar, at codon 282 of the LRP5 protein (p.Met282Val).

Literature cited by the submitters: PubMed 17276019; PubMed 17295608; PubMed 18521528.

NM_002335.4(LRP5):c.844A>G (p.Met282Val)

Gene: LRP5 (LDL receptor related protein 5; plus strand). Cytogenetic location: 11q13.2.
Variant type: single nucleotide variant.
Coding change: c.844A>G on transcript NM_002335.4 (MANE Select); coding-DNA position 844, A replaced by G.
Protein change: p.Met282Val; replaces methionine 282 with valine.
Molecular consequence: missense variant. On other transcripts: 5 prime UTR variant (1).
Genome position (GRCh38, 1-based): chr11:68,363,904, A>G. VCF-style: chr11-68363904-A-G. GRCh37 (hg19) VCF-style: chr11-68131372-A-G.
Other names: c.-922A>G (NM_001291902.2); short protein forms M282V.
Identifiers: ClinVar variation 2137176 (VCV002137176.4), dbSNP rs2496470881, ClinGen allele CA381611234.